The following is an entry in ClinVar:

ClinVar aggregate classification (germline): Uncertain significance. Review status: criteria provided, multiple submitters, no conflicts (2 of 4 stars). 4 submissions from 4 submitters: Uncertain significance (4). Last evaluated 2025-12-08.

Conditions:
Hereditary cancer-predisposing syndrome. Also called: Tumor predisposition; Hereditary neoplastic syndrome; Neoplastic Syndromes, Hereditary; Hereditary Cancer Syndrome. Identifiers: Orphanet 140162, MedGen C0027672, MeSH D009386, MONDO:0015356.
Retinoblastoma (RB1). Also called: RETINOBLASTOMA, SOMATIC. Identifiers: Orphanet 790, MedGen C0035335, MeSH D012175, MONDO:0008380, OMIM 180200, HP:0009919. Disease mechanism: loss of function. Inheritance: Both sporadic and heritable forms are tested..

Allele frequency attached by ClinVar (database versions not stated): gnomAD exomes below 0.00001; TOPMed below 0.00001; ExAC 0.00001.
gnomAD v4.1: 2 of 1,612,662 alleles (0.00012%); highest among the groups gnomAD compares: South Asian, 0.0022%; no homozygotes.

Submissions (4):

Labcorp Genetics (formerly Invitae), Labcorp
Classification: Uncertain significance for Retinoblastoma. Last evaluated: 2025-12-08. Review status: criteria provided, single submitter. Criteria: Invitae Variant Classification Sherloc (09022015). Collection method: clinical testing. Allele origin: germline.
Comment: This sequence change replaces tyrosine, which is neutral and polar, with cysteine, which is neutral and slightly polar, at codon 225 of the RB1 protein (p.Tyr225Cys). This variant is not present in population databases (gnomAD no frequency). This variant has not been reported in the literature in individuals affected with RB1-related conditions. ClinVar contains an entry for this variant (Variation ID: 1498053). Invitae Evidence Modeling of protein sequence and biophysical properties (such as structural, functional, and spatial information, amino acid conservation, physicochemical variation, residue mobility, and thermodynamic stability) has been performed for this missense variant. However, the output from this modeling did not meet the statistical confidence thresholds required to predict the impact of this variant on RB1 protein function. In summary, the available evidence is currently insufficient to determine the role of this variant in disease. Therefore, it has been classified as a Variant of Uncertain Significance.

GeneDx
Classification: Uncertain significance. Last evaluated: 2025-03-07. Review status: criteria provided, single submitter. Criteria: GeneDx Variant Classification Process June 2021. Collection method: clinical testing. Allele origin: germline. Affected: yes.
Comment: Not observed at significant frequency in large population cohorts (gnomAD); In silico analysis supports that this missense variant has a deleterious effect on protein structure/function; Has not been previously published as pathogenic or benign to our knowledge; This variant is associated with the following publications: (PMID: 23516486)

Ambry Genetics
Classification: Uncertain significance for Hereditary cancer-predisposing syndrome. Last evaluated: 2025-01-11. Review status: criteria provided, single submitter. Criteria: Ambry Variant Classification Scheme 2023. Collection method: clinical testing. Allele origin: germline.
Comment: The p.Y225C variant (also known as c.674A>G), located in coding exon 7 of the RB1 gene, results from an A to G substitution at nucleotide position 674. The tyrosine at codon 225 is replaced by cysteine, an amino acid with highly dissimilar properties. This amino acid position is highly conserved in available vertebrate species. In addition, this alteration is predicted to be deleterious by in silico analysis. Since supporting evidence is limited at this time, the clinical significance of this alteration remains unclear.

All of Us Research Program, National Institutes of Health
Classification: Uncertain significance for Retinoblastoma. Last evaluated: 2023-11-02. Review status: criteria provided, single submitter. Criteria: ACMG Guidelines, 2015. Collection method: clinical testing. Allele origin: germline. Inheritance: Autosomal dominant inheritance. Observed: 3 variant alleles, 3 heterozygotes.
Comment: This missense variant replaces tyrosine with cysteine at codon 225 of the RB1 protein. Computational prediction is inconclusive regarding the impact of this variant on protein structure and function (internally defined REVEL score threshold 0.5 < inconclusive < 0.7, PMID: 27666373). To our knowledge, functional studies have not been reported for this variant. This variant has not been reported in individuals affected with RB1-related disorders in the literature. This variant has not been identified in the general population by the Genome Aggregation Database (gnomAD). The available evidence is insufficient to determine the role of this variant in disease conclusively. Therefore, this variant is classified as a Variant of Uncertain Significance.

This study involves interpretation of variants in research participants for the purpose of population health screening. Participant phenotype was not available at the time of variant classification. Additional details can be found in publication PMID: 35346344, PMCID: PMC8962531

NM_000321.3(RB1):c.674A>G (p.Tyr225Cys)

Gene: RB1 (RB transcriptional corepressor 1; plus strand). Cytogenetic location: 13q14.2.
Variant type: single nucleotide variant.
Coding change: c.674A>G on transcript NM_000321.3 (MANE Select); coding-DNA position 674, A replaced by G.
Protein change: p.Tyr225Cys; replaces tyrosine 225 with cysteine.
Molecular consequence: missense variant.
Genome position (GRCh38, 1-based): chr13:48,360,083, A>G. VCF-style: chr13-48360083-A-G. GRCh37 (hg19) VCF-style: chr13-48934219-A-G.
Other names: short protein forms Y225C.
Identifiers: ClinVar variation 1498053 (VCV001498053.13), dbSNP rs771567627, ClinGen allele CA039184.
Genomic context (GRCh38, chr13:48,360,083, plus strand): 5'-TATTACAAATGGAAGATGATCTGGTGATTTCATTTCAGTTAATGCTATGTGTCCTTGACT[A>G]TTTTATTAAACTCTCACCTCCCATGTTGCTCAAAGAACCATATAGTAAGTATTTAATTTA-3'
Protein context (NP_000312.2, residues 215-235): SFQLMLCVLD[Tyr225Cys]FIKLSPPMLL